The following is an entry in ClinVar:

NM_020778.4:c.1178_1179insALU

Gene: ALPK3 (alpha kinase 3; plus strand).
Variant type: Insertion.
Identifiers: ClinVar variation 2625923 (VCV002625923.3).

ClinVar aggregate classification (germline): Likely pathogenic (1 of 4 stars; one submission).

Conditions:
Cardiovascular phenotype. Identifiers: MedGen CN230736.

Submission:

Ambry Genetics
Classification: Likely pathogenic for Cardiovascular phenotype. Last evaluated: 2025-11-17. Review status: criteria provided, single submitter. Criteria: Ambry Variant Classification Scheme 2023. Collection method: clinical testing. Allele origin: germline.
Comment: The c.1178_1179insAlu likely pathogenic variant results from the insertion of an Alu element between nucleotides 1178 and 1179 in coding exon 5 of the ALPK3 gene. Mobile element insertions contribute to pathogenicity by either disrupting the coding sequence or inducing aberrant splicing (Belancio VP et al. Semin. Cancer Biol. 2010 Aug;20:200-10; Deininger P et al. Genome Biol. 2011 Dec;12:236; van der Klift HM Hum Mutat. 2012 Jul;33(7):1051-5). Based on the majority of available evidence to date, this variant is likely to be pathogenic.